The following is an entry in ClinVar:

ClinVar aggregate classification (germline): Uncertain significance (1 of 4 stars; one submission).

Conditions:
Hereditary cancer-predisposing syndrome. Also called: Hereditary neoplastic syndrome; Neoplastic Syndromes, Hereditary; Tumor predisposition; Hereditary Cancer Syndrome. Identifiers: Orphanet 140162, MedGen C0027672, MeSH D009386, MONDO:0015356.

Submission:

Ambry Genetics
Classification: Uncertain significance for Hereditary cancer-predisposing syndrome. Last evaluated: 2024-12-12. Review status: criteria provided, single submitter. Criteria: Ambry Variant Classification Scheme 2023. Collection method: clinical testing. Allele origin: germline.
Comment: The p.I2989V variant (also known as c.8965A>G), located in coding exon 22 of the BRCA2 gene, results from an A to G substitution at nucleotide position 8965. The isoleucine at codon 2989 is replaced by valine, an amino acid with highly similar properties. This amino acid position is conserved. In addition, this alteration is predicted to be tolerated by in silico analysis. Based on the available evidence, the clinical significance of this variant remains unclear.

NM_000059.4(BRCA2):c.8965A>G (p.Ile2989Val)

Gene: BRCA2 (BRCA2 DNA repair associated; plus strand). Cytogenetic location: 13q13.1.
Variant type: single nucleotide variant.
Coding change: c.8965A>G on transcript NM_000059.4 (MANE Select); coding-DNA position 8965, A replaced by G.
Protein change: p.Ile2989Val; replaces isoleucine 2989 with valine.
Molecular consequence: missense variant. On other transcripts: non-coding transcript variant (1), intron variant (1).
Genome position (GRCh38, 1-based): chr13:32,379,761, A>G. VCF-style: chr13-32379761-A-G. GRCh37 (hg19) VCF-style: chr13-32953898-A-G.
Other names: c.8869A>G, p.Ile2957Val (NM_001406719.1); c.4033A>G, p.Ile1345Val (NM_001406721.1); c.2548A>G, p.Ile850Val (NM_001406722.1); c.8965A>G, p.Ile2989Val (NM_001432077.1); c.8954-40A>G (NM_001406720.1); short protein forms I2989V, I1345V, I850V, I2957V.
Identifiers: ClinVar variation 3825391 (VCV003825391.1).